The following is an entry in ClinVar:

NM_170707.4(LMNA):c.143G>C (p.Arg48Pro)

Gene: LMNA (lamin A/C; plus strand). Cytogenetic location: 1q22.
Variant type: single nucleotide variant.
Coding change: c.143G>C on transcript NM_170707.4 (MANE Select); coding-DNA position 143, G replaced by C.
Protein change: p.Arg48Pro; replaces arginine 48 with proline.
Molecular consequence: missense variant.
Genome position (GRCh38, 1-based): chr1:156,115,061, G>C. VCF-style: chr1-156115061-G-C. GRCh37 (hg19) VCF-style: chr1-156084852-G-C.
Other names: c.143G>C (NM_170707.2); c.143G>C, p.Arg48Pro (NM_001282625.2, NM_001282626.2, NM_005572.4 and 1 more transcripts); short protein forms R48P.
Identifiers: ClinVar variation 646027 (VCV000646027.9), dbSNP rs1572332235, ClinGen allele CA342807944.

ClinVar aggregate classification (germline): Pathogenic. Review status: criteria provided, multiple submitters, no conflicts (2 of 4 stars). 2 submissions from 2 submitters: Pathogenic (2). Last evaluated 2024-02-23.

Conditions:
Charcot-Marie-Tooth disease type 2. Also called: Charcot-Marie-Tooth type 2. Identifiers: Orphanet 64746, MedGen C0270914, MONDO:0018993.

Submissions (2):

Labcorp Genetics (formerly Invitae), Labcorp
Classification: Pathogenic for Charcot-Marie-Tooth disease type 2. Last evaluated: 2024-02-23. Review status: criteria provided, single submitter. Criteria: Invitae Variant Classification Sherloc (09022015). Collection method: clinical testing. Allele origin: germline.
Comment: This sequence change replaces arginine, which is basic and polar, with proline, which is neutral and non-polar, at codon 48 of the LMNA protein (p.Arg48Pro). This variant is not present in population databases (gnomAD no frequency). This missense change has been observed in individual(s) with congenital muscular dystrophy (PMID: 26098624). In at least one individual the variant was observed to be de novo. ClinVar contains an entry for this variant (Variation ID: 646027). Advanced modeling of protein sequence and biophysical properties (such as structural, functional, and spatial information, amino acid conservation, physicochemical variation, residue mobility, and thermodynamic stability) performed at Invitae indicates that this missense variant is expected to disrupt LMNA protein function with a positive predictive value of 95%. Experimental studies have shown that this missense change affects LMNA function (PMID: 26098624). For these reasons, this variant has been classified as Pathogenic.

GeneDx
Classification: Pathogenic. Last evaluated: 2022-12-12. Review status: criteria provided, single submitter. Criteria: GeneDx Variant Classification Process June 2021. Collection method: clinical testing. Allele origin: germline. Affected: yes.
Comment: Published functional studies demonstrate a damaging effect as this variant results in abnormal protein aggregation (Tan et al., 2015); In silico analysis supports that this missense variant has a deleterious effect on protein structure/function; Not observed at significant frequency in large population cohorts (gnomAD); This variant is associated with the following publications: (PMID: 10939567, 26098624, 32571898, 34240052)

Literature cited by the submitters: PubMed 26098624 (cited by Labcorp Genetics (formerly Invitae), Labcorp).